The following is an entry in ClinVar:

ClinVar aggregate classification (germline): Pathogenic (1 of 4 stars; one submission).

Conditions:
Tuberous sclerosis 2 (TSC2). Identifiers: Orphanet 805, MedGen C1860707, MONDO:0013199, OMIM 613254.

Submission:

Labcorp Genetics (formerly Invitae), Labcorp
Classification: Pathogenic for Tuberous sclerosis 2. Last evaluated: 2017-09-10. Review status: criteria provided, single submitter. Criteria: Invitae Variant Classification Sherloc (09022015). Collection method: clinical testing. Allele origin: germline.
Comment: For these reasons, this variant has been classified as Pathogenic. Loss-of-function variants in TSC2 are known to be pathogenic (PMID: 10205261, 17304050). This sequence change creates a premature translational stop signal (p.Arg350*) in the TSC2 gene. It is expected to result in an absent or disrupted protein product. This variant is not present in population databases (ExAC no frequency). This variant has not been reported in the literature in individuals with TSC2-related disease.

Literature cited by the submitters: PubMed 10205261; PubMed 17304050.

NM_000548.5(TSC2):c.1047dup (p.Arg350Ter)

Gene: TSC2 (TSC complex subunit 2; plus strand). Cytogenetic location: 16p13.3.
Variant type: Duplication.
Coding change: c.1047dup on transcript NM_000548.5 (MANE Select); coding-DNA position 1047, one base duplicated (T; older notation c.1047dupT).
Protein change: p.Arg350Ter; replaces arginine 350 with a stop codon.
Molecular consequence: nonsense.
Genome position (GRCh38, 1-based): chr16:2,060,741, T duplicated. VCF-style (leftmost placement, unchanged base first): chr16-2060740-A-AT. GRCh37 (hg19) VCF-style: chr16-2110741-A-AT.
Other names: c.1047dupT (NM_000548.3); c.1047dup, p.Arg350Ter (NM_001077183.3, NM_001114382.3, NM_001363528.2 and 3 more transcripts); c.936dup, p.Arg313Ter (NM_001318827.2); c.900dup, p.Arg301Ter (NM_001318829.2); c.447dup, p.Arg150Ter (NM_001318831.2); c.1080dup, p.Arg361Ter (NM_001318832.2); short protein forms R313*, R301*, R350*, R150*, R361*.
Identifiers: ClinVar variation 535947 (VCV000535947.6), dbSNP rs1555500535, ClinGen allele CA658798483.